The following is an entry in ClinVar:

ClinVar aggregate classification (germline): Uncertain significance. Review status: criteria provided, multiple submitters, no conflicts (2 of 4 stars). 2 submissions from 2 submitters: Uncertain significance (2). Last evaluated 2025-06-10.

Conditions:
EAST syndrome (SESAMES). Also called: SEIZURES, SENSORINEURAL DEAFNESS, ATAXIA, IMPAIRED INTELLECTUAL DEVELOPMENT, AND ELECTROLYTE IMBALANCE. Identifiers: Orphanet 199343, MedGen C2748572, MONDO:0013005, OMIM 612780.

Allele frequency attached by ClinVar (database versions not stated): gnomAD exomes below 0.00001; TOPMed below 0.00001.
gnomAD v4.1: 1 of 1,614,172 alleles (0.000062%); highest among the groups gnomAD compares: Admixed American, 0.0017%; no homozygotes.

Submissions (2):

Labcorp Genetics (formerly Invitae), Labcorp
Classification: Uncertain significance for EAST syndrome. Last evaluated: 2025-06-10. Review status: criteria provided, single submitter. Criteria: Invitae Variant Classification Sherloc (09022015). Collection method: clinical testing. Allele origin: germline.
Comment: This sequence change replaces alanine, which is neutral and non-polar, with threonine, which is neutral and polar, at codon 319 of the KCNJ10 protein (p.Ala319Thr). This variant is present in population databases (no rsID available, gnomAD 0.003%). This variant has not been reported in the literature in individuals affected with KCNJ10-related conditions. ClinVar contains an entry for this variant (Variation ID: 1806598). Invitae Evidence Modeling of protein sequence and biophysical properties (such as structural, functional, and spatial information, amino acid conservation, physicochemical variation, residue mobility, and thermodynamic stability) indicates that this missense variant is not expected to disrupt KCNJ10 protein function with a negative predictive value of 95%. In summary, the available evidence is currently insufficient to determine the role of this variant in disease. Therefore, it has been classified as a Variant of Uncertain Significance.

GeneDx
Classification: Uncertain significance. Last evaluated: 2024-05-17. Review status: criteria provided, single submitter. Criteria: GeneDx Variant Classification Process June 2021. Collection method: clinical testing. Allele origin: germline. Affected: yes.
Comment: Not observed at a significant frequency in large population cohorts (gnomAD); In silico analysis indicates that this missense variant does not alter protein structure/function; Has not been previously published as pathogenic or benign to our knowledge

NM_002241.5(KCNJ10):c.955G>A (p.Ala319Thr)

Gene: KCNJ10 (potassium inwardly rectifying channel subfamily J member 10; minus strand). Cytogenetic location: 1q23.2.
Variant type: single nucleotide variant.
Coding change: c.955G>A on transcript NM_002241.5 (MANE Select); coding-DNA position 955, G replaced by A.
Protein change: p.Ala319Thr; replaces alanine 319 with threonine.
Molecular consequence: missense variant.
Genome position (GRCh38, 1-based): chr1:160,041,578, C>T on the plus strand (G>A on the coding strand, the complement: KCNJ10 is on the minus strand). VCF-style: chr1-160041578-C-T. GRCh37 (hg19) VCF-style: chr1-160011368-C-T.
Other names: short protein forms A319T.
Identifiers: ClinVar variation 1806598 (VCV001806598.4), dbSNP rs1438219879, ClinGen allele CA343223356.